The following is an entry in ClinVar:

NM_001142864.4(PIEZO1):c.7181G>A (p.Gly2394Asp)

Gene: PIEZO1 (piezo type mechanosensitive ion channel component 1 (Er blood group); minus strand). Cytogenetic location: 16q24.3.
Variant type: single nucleotide variant.
Coding change: c.7181G>A on transcript NM_001142864.4 (MANE Select); coding-DNA position 7181, G replaced by A.
Protein change: p.Gly2394Asp; replaces glycine 2394 with aspartic acid.
Molecular consequence: missense variant.
Genome position (GRCh38, 1-based): chr16:88,716,068, C>T on the plus strand (G>A on the coding strand, the complement: PIEZO1 is on the minus strand). VCF-style: chr16-88716068-C-T. GRCh37 (hg19) VCF-style: chr16-88782476-C-T.
Other names: short protein forms G2394D.
Identifiers: ClinVar variation 4996293 (VCV004996293.1).
Genomic context (GRCh38, chr16:88,716,068, plus strand): 5'-TCGGTCCGGCACTCCTGCAGCTCGATGACCCACCATTCGAGGAAGCCGGTGGCCCCCGCA[C>T]CCTGCTCCCTCCGCAGCTGGATACGCACGCCGAGGTAGTCGGCCTCCTCATCTGGGATGG-3'
Protein context (NP_001136336.2, residues 2384-2404): GVRIQLRREQ[Gly2394Asp]AGATGFLEWW

ClinVar aggregate classification (germline): Uncertain significance (1 of 4 stars; one submission).

Conditions:
PIEZO1-related disorder. Also called: PIEZO1-related condition; PIEZO1-Related Disorders.

Submission:

PreventionGenetics, part of Exact Sciences
Classification: Uncertain significance for PIEZO1-related condition. Last evaluated: 2026-08-24. Review status: criteria provided, single submitter. Criteria: ACMG Guidelines, 2015. Collection method: clinical testing. Allele origin: germline.
Comment: The PIEZO1 c.7181G>A variant is predicted to result in the amino acid substitution p.Gly2394Asp. To our knowledge, this variant has not been reported in the literature. This variant is reported in 0.0044% of alleles in individuals of South Asian descent in gnomAD. Of note, a different variant impacting the same amino acid (p.Gly2394Ser) was reported in the heterozygous state in an individual with hereditary anemia (Russo et al. 2018. PubMed ID: 29396846). At this time, the clinical significance of the c.7181G>A (p.Gly2394Asp) variant is uncertain due to the absence of conclusive functional and genetic evidence.